The following is an entry in ClinVar:

ClinVar aggregate classification (germline): Uncertain significance (1 of 4 stars; one submission).

Allele frequency attached by ClinVar (database versions not stated): gnomAD 0.00001; TOPMed 0.00001; ExAC 0.00002; ESP Exome Variant Server 0.00008.
gnomAD v4.1: 17 of 1,613,706 alleles (0.0011%); highest among the groups gnomAD compares: South Asian, 0.0088%; no homozygotes.

Submission:

Labcorp Genetics (formerly Invitae), Labcorp
Classification: Uncertain significance. Last evaluated: 2022-08-16. Review status: criteria provided, single submitter. Criteria: Invitae Variant Classification Sherloc (09022015). Collection method: clinical testing. Allele origin: germline.
Comment: This sequence change replaces arginine, which is basic and polar, with tryptophan, which is neutral and slightly polar, at codon 791 of the TUBGCP6 protein (p.Arg791Trp). This variant is present in population databases (rs369949538, gnomAD 0.004%). This variant has not been reported in the literature in individuals affected with TUBGCP6-related conditions. Algorithms developed to predict the effect of missense changes on protein structure and function are either unavailable or do not agree on the potential impact of this missense change (SIFT: "Deleterious"; PolyPhen-2: "Probably Damaging"; Align-GVGD: "Class C0"). In summary, the available evidence is currently insufficient to determine the role of this variant in disease. Therefore, it has been classified as a Variant of Uncertain Significance.

NM_020461.4(TUBGCP6):c.2371C>T (p.Arg791Trp)

Gene: TUBGCP6 (tubulin gamma complex component 6; minus strand). Cytogenetic location: 22q13.33.
Variant type: single nucleotide variant.
Coding change: c.2371C>T on transcript NM_020461.4 (MANE Select); coding-DNA position 2371, C replaced by T.
Protein change: p.Arg791Trp; replaces arginine 791 with tryptophan.
Molecular consequence: missense variant.
Genome position (GRCh38, 1-based): chr22:50,222,492, G>A on the plus strand (C>T on the coding strand, the complement: TUBGCP6 is on the minus strand). VCF-style: chr22-50222492-G-A. GRCh37 (hg19) VCF-style: chr22-50660921-G-A.
Other names: short protein forms R791W.
Identifiers: ClinVar variation 2040750 (VCV002040750.1), dbSNP rs369949538, ClinGen allele CA10308258.